The following is an entry in ClinVar:

ClinVar aggregate classification (germline): Conflicting classifications of pathogenicity. Review status: criteria provided, conflicting classifications (1 of 4 stars). 6 submissions from 6 submitters: Uncertain significance (5); Benign (1). Last evaluated 2025-04-16.

Conditions:
Hereditary breast ovarian cancer syndrome. Also called: Hereditary breast and ovarian cancer syndrome (HBOC); Breast and ovarian cancer; Hereditary breast and ovarian cancer syndrome; Hereditary breast and ovarian cancer; Hereditary breast and/or ovarian cancer syndrome; BRCA1- and BRCA2-Associated Hereditary Breast and Ovarian Cancer. Identifiers: Orphanet 145, MedGen C0677776, MeSH D061325, MONDO:0003582. Disease mechanism: loss of function.
Hereditary cancer-predisposing syndrome. Also called: Hereditary neoplastic syndrome; Neoplastic Syndromes, Hereditary; Tumor predisposition; Hereditary Cancer Syndrome. Identifiers: Orphanet 140162, MedGen C0027672, MeSH D009386, MONDO:0015356.
Breast-ovarian cancer, familial, susceptibility to, 2 (BROVCA2). Also called: BRCA2 Hereditary Breast and Ovarian Cancer. Identifiers: Orphanet 145, MedGen C2675520, MONDO:0012933, OMIM 612555. Disease mechanism: loss of function.
Familial cancer of breast. Also called: BREAST CANCER, FAMILIAL; Hereditary breast cancer; hereditary breast carcinoma. Identifiers: Orphanet 227535, MedGen C0346153, MONDO:0016419, OMIM 114480. Disease mechanism: loss of function.

Allele frequency attached by ClinVar (database versions not stated): gnomAD exomes below 0.00001; gnomAD 0.00001; TOPMed 0.00002.
gnomAD v4.1: 3 of 1,614,096 alleles (0.00019%); highest among the groups gnomAD compares: African/African-American, 0.0027%; no homozygotes.

Submissions (6):

Ambry Genetics
Classification: Benign for Hereditary cancer-predisposing syndrome. Last evaluated: 2025-04-16. Review status: criteria provided, single submitter. Criteria: Ambry Variant Classification Scheme 2023. Collection method: clinical testing. Allele origin: germline.

Color Diagnostics, LLC DBA Color Health
Classification: Uncertain significance for Hereditary cancer-predisposing syndrome. Last evaluated: 2024-09-05. Review status: criteria provided, single submitter. Criteria: ACMG Guidelines, 2015. Collection method: clinical testing. Allele origin: germline.
Comment: This missense variant replaces isoleucine with valine at codon 2628 of the BRCA2 protein. Computational prediction suggests that this variant may not impact protein structure and function. To our knowledge, functional studies have not been reported for this variant. A multifactorial analysis has reported a likelihood ratio for pathogenicity based on personal and family history of 0.937 from log(LR)=-0.028439062 for 1 carrier (PMID: 31853058). This variant has not been identified in the general population by the Genome Aggregation Database (gnomAD). The available evidence is insufficient to determine the role of this variant in disease conclusively. Therefore, this variant is classified as a Variant of Uncertain Significance.

All of Us Research Program, National Institutes of Health
Classification: Uncertain significance for Breast-ovarian cancer, familial, susceptibility to, 2. Last evaluated: 2023-11-30. Review status: criteria provided, single submitter. Criteria: ACMG Guidelines, 2015. Collection method: clinical testing. Allele origin: germline. Inheritance: Autosomal dominant inheritance. Observed: 2 variant alleles, 2 heterozygotes.
Comment: This missense variant replaces isoleucine with valine at codon 2628 of the BRCA2 protein. Computational prediction suggests that this variant may not impact protein structure and function (internally defined REVEL score threshold <= 0.5, PMID: 27666373). To our knowledge, functional studies have not been reported for this variant. This variant has not been reported in individuals affected with BRCA2-related disorders in the literature. This variant has not been identified in the general population by the Genome Aggregation Database (gnomAD). The available evidence is insufficient to determine the role of this variant in disease conclusively. Therefore, this variant is classified as a Variant of Uncertain Significance.

This study involves interpretation of variants in research participants for the purpose of population health screening. Participant phenotype was not available at the time of variant classification. Additional details can be found in publication PMID: 35346344, PMCID: PMC8962531

Baylor Genetics
Classification: Uncertain significance for Familial cancer of breast. Last evaluated: 2023-08-05. Review status: criteria provided, single submitter. Criteria: ACMG Guidelines, 2015. Collection method: clinical testing. Allele origin: unknown.

Labcorp Genetics (formerly Invitae), Labcorp
Classification: Uncertain significance for Hereditary breast ovarian cancer syndrome. Last evaluated: 2022-09-01. Review status: criteria provided, single submitter. Criteria: Invitae Variant Classification Sherloc (09022015). Collection method: clinical testing. Allele origin: germline.
Comment: This sequence change replaces isoleucine, which is neutral and non-polar, with valine, which is neutral and non-polar, at codon 2628 of the BRCA2 protein (p.Ile2628Val). In summary, the available evidence is currently insufficient to determine the role of this variant in disease. Therefore, it has been classified as a Variant of Uncertain Significance. Algorithms developed to predict the effect of sequence changes on RNA splicing suggest that this variant may create or strengthen a splice site. Algorithms developed to predict the effect of missense changes on protein structure and function output the following: SIFT: "Tolerated"; PolyPhen-2: "Benign"; Align-GVGD: "Class C0". The valine amino acid residue is found in multiple mammalian species, which suggests that this missense change does not adversely affect protein function. ClinVar contains an entry for this variant (Variation ID: 481576). This variant has not been reported in the literature in individuals affected with BRCA2-related conditions. This variant is not present in population databases (gnomAD no frequency).

Women's Health and Genetics/Laboratory Corporation of America, LabCorp
Classification: Uncertain significance. Last evaluated: 2021-06-27. Review status: criteria provided, single submitter. Criteria: LabCorp Variant Classification Summary - May 2015. Collection method: clinical testing. Allele origin: germline.
Comment: Variant summary: BRCA2 c.7882A>G (p.Ile2628Val) results in a conservative amino acid change in the encoded protein sequence. Five of five in-silico tools predict a benign effect of the variant on protein function. The variant was absent in 251286 control chromosomes. The available data on variant occurrences in the general population are insufficient to allow any conclusion about variant significance. To our knowledge, no occurrence of c.7882A>G in individuals affected with Hereditary Breast And Ovarian Cancer Syndrome and no experimental evidence demonstrating its impact on protein function have been reported. Two clinical diagnostic laboratories have submitted clinical-significance assessments for this variant to ClinVar after 2014 without evidence for independent evaluation. All laboratories classified the variant as uncertain significance. Based on the evidence outlined above, the variant was classified as uncertain significance.

Literature cited by the submitters: PubMed 31853058 (cited by Color Diagnostics, LLC DBA Color Health).

NM_000059.4(BRCA2):c.7882A>G (p.Ile2628Val)

Gene: BRCA2 (BRCA2 DNA repair associated; plus strand). Cytogenetic location: 13q13.1.
Variant type: single nucleotide variant.
Coding change: c.7882A>G on transcript NM_000059.4 (MANE Select); coding-DNA position 7882, A replaced by G.
Protein change: p.Ile2628Val; replaces isoleucine 2628 with valine.
Molecular consequence: missense variant.
Genome position (GRCh38, 1-based): chr13:32,362,599, A>G. VCF-style: chr13-32362599-A-G. GRCh37 (hg19) VCF-style: chr13-32936736-A-G.
Other names: short protein forms I2628V.
Identifiers: ClinVar variation 481576 (VCV000481576.19), dbSNP rs1483187442, ClinGen allele CA387747110.